The following is an entry in ClinVar:

NM_006206.6(PDGFRA):c.736C>T (p.Gln246Ter)

Gene: PDGFRA (platelet derived growth factor receptor alpha; plus strand). Cytogenetic location: 4q12.
Variant type: single nucleotide variant.
Coding change: c.736C>T on transcript NM_006206.6 (MANE Select); coding-DNA position 736, C replaced by T.
Protein change: p.Gln246Ter; replaces glutamine 246 with a stop codon.
Molecular consequence: nonsense.
Genome position (GRCh38, 1-based): chr4:54,265,026, C>T. VCF-style: chr4-54265026-C-T. GRCh37 (hg19) VCF-style: chr4-55131193-C-T.
Other names: c.736C>T, p.Gln246Ter (NM_001347827.2, NM_001347829.2); c.811C>T, p.Gln271Ter (NM_001347828.2); c.775C>T, p.Gln259Ter (NM_001347830.2); short protein forms Q271*, Q259*, Q246*.
Identifiers: ClinVar variation 2862759 (VCV002862759.3), dbSNP rs2110258570, ClinGen allele CA356890981.

ClinVar aggregate classification (germline): Uncertain significance (1 of 4 stars; one submission).

Conditions:
Gastrointestinal stromal tumor. Also called: Gastrointestinal stromal tumor, somatic; Gastrointestinal stroma tumor. Identifiers: Orphanet 44890, MedGen C0238198, MeSH D046152, MONDO:0011719, OMIM 606764, HP:0100723.

Submission:

Labcorp Genetics (formerly Invitae), Labcorp
Classification: Uncertain significance for Gastrointestinal stromal tumor. Last evaluated: 2023-05-09. Review status: criteria provided, single submitter. Criteria: Invitae Variant Classification Sherloc (09022015). Collection method: clinical testing. Allele origin: germline.
Comment: Algorithms developed to predict the effect of sequence changes on RNA splicing suggest that this variant may disrupt the consensus splice site. This sequence change creates a premature translational stop signal (p.Gln246*) in the PDGFRA gene. It is expected to result in an absent or disrupted protein product. However, the current clinical and genetic evidence is not sufficient to establish whether loss-of-function variants in PDGFRA cause disease. This variant is not present in population databases (gnomAD no frequency). This variant has not been reported in the literature in individuals affected with PDGFRA-related conditions. In summary, the available evidence is currently insufficient to determine the role of this variant in disease. Therefore, it has been classified as a Variant of Uncertain Significance.